The following is an entry in ClinVar:

NM_001165963.4(SCN1A):c.2253del (p.Pro752fs)

Gene: SCN1A (sodium voltage-gated channel alpha subunit 1; minus strand). Cytogenetic location: 2q24.3.
Variant type: Deletion.
Coding change: c.2253del on transcript NM_001165963.4 (MANE Select); coding-DNA position 2253, one base deleted (T; older notation c.2253delT).
Protein change: p.Pro752fs; shifts the reading frame from proline 752.
Molecular consequence: frameshift variant. On other transcripts: 5 prime UTR variant (1), non-coding transcript variant (1).
Genome position (GRCh38, 1-based): chr2:166,041,393, A deleted on the plus strand (T on the coding strand, the reverse complement: SCN1A is on the minus strand). VCF-style (leftmost placement, unchanged base first): chr2-166041392-GA-G. GRCh37 (hg19) VCF-style: chr2-166897902-GA-G.
Other names: c.2169del, p.Pro724fs (NM_001165964.3, NM_001353957.2, NM_001353958.2); c.2253del, p.Pro752fs (NM_001202435.3, NM_001353948.2); c.2220del, p.Pro741fs (NM_001353949.2, NM_001353950.2, NM_001353951.2 and 2 more transcripts); c.2217del, p.Pro740fs (NM_001353954.2, NM_001353955.2); c.2166del, p.Pro723fs (NM_001353960.2); c.-206del (NM_001353961.2); short protein forms P724fs, P740fs, P741fs, P723fs, P752fs.
Identifiers: ClinVar variation 2018414 (VCV002018414.4), dbSNP rs2468131950, ClinGen allele CA2580064681.

ClinVar aggregate classification (germline): Pathogenic (1 of 4 stars; one submission).

Conditions:
Early-infantile DEE. Also called: Early infantile epileptic encephalopathy; Ohtahara syndrome; Early infantile epileptic encephalopathy with suppression bursts. Identifiers: Orphanet 1934, MedGen C0393706, MONDO:0800491.

Submission:

Labcorp Genetics (formerly Invitae), Labcorp
Classification: Pathogenic for Early-infantile DEE. Last evaluated: 2022-07-20. Review status: criteria provided, single submitter. Criteria: Invitae Variant Classification Sherloc (09022015). Collection method: clinical testing. Allele origin: germline.
Comment: This sequence change creates a premature translational stop signal (p.Pro752Hisfs*4) in the SCN1A gene. It is expected to result in an absent or disrupted protein product. Loss-of-function variants in SCN1A are known to be pathogenic (PMID: 17347258, 18930999). For these reasons, this variant has been classified as Pathogenic. This variant has not been reported in the literature in individuals affected with SCN1A-related conditions. This variant is not present in population databases (gnomAD no frequency).

Literature cited by the submitters: PubMed 17347258; PubMed 18930999.